The following is an entry in ClinVar:

NM_002900.3(RBP3):c.490G>C (p.Ala164Pro)

Gene: RBP3 (retinol binding protein 3; plus strand). Cytogenetic location: 10q11.22.
Variant type: single nucleotide variant.
Coding change: c.490G>C on transcript NM_002900.3 (MANE Select); coding-DNA position 490, G replaced by C.
Protein change: p.Ala164Pro; replaces alanine 164 with proline.
Molecular consequence: missense variant.
Genome position (GRCh38, 1-based): chr10:47,348,974, G>C. VCF-style: chr10-47348974-G-C. GRCh37 (hg19) VCF-style: chr10-48390388-C-G.
Other names: short protein forms A164P.
Identifiers: ClinVar variation 1350929 (VCV001350929.8), dbSNP rs146287986, ClinGen allele CA5487776.

ClinVar aggregate classification (germline): Uncertain significance (1 of 4 stars; one submission).

Submission:

Labcorp Genetics (formerly Invitae), Labcorp
Classification: Uncertain significance. Last evaluated: 2024-11-05. Review status: criteria provided, single submitter. Criteria: Invitae Variant Classification Sherloc (09022015). Collection method: clinical testing. Allele origin: germline.
Comment: This sequence change replaces alanine, which is neutral and non-polar, with proline, which is neutral and non-polar, at codon 164 of the RBP3 protein (p.Ala164Pro). This variant is present in population databases (rs146287986, gnomAD 0.01%). This variant has not been reported in the literature in individuals affected with RBP3-related conditions. ClinVar contains an entry for this variant (Variation ID: 1350929). An algorithm developed to predict the effect of missense changes on protein structure and function (PolyPhen-2) suggests that this variant is likely to be disruptive. In summary, the available evidence is currently insufficient to determine the role of this variant in disease. Therefore, it has been classified as a Variant of Uncertain Significance.